The following is an entry in ClinVar:

NM_001256545.2(MEGF10):c.596A>G (p.Asn199Ser)

Gene: MEGF10 (multiple EGF like domains 10; plus strand). Cytogenetic location: 5q23.2.
Variant type: single nucleotide variant.
Coding change: c.596A>G on transcript NM_001256545.2 (MANE Select); coding-DNA position 596, A replaced by G.
Protein change: p.Asn199Ser; replaces asparagine 199 with serine.
Molecular consequence: missense variant.
Genome position (GRCh38, 1-based): chr5:127,396,715, A>G. VCF-style: chr5-127396715-A-G. GRCh37 (hg19) VCF-style: chr5-126732407-A-G.
Other names: c.596A>G, p.Asn199Ser (NM_001308119.2, NM_001308121.2, NM_032446.3); short protein forms N199S.
Identifiers: ClinVar variation 573183 (VCV000573183.9), dbSNP rs373163952, ClinGen allele CA3391336.

ClinVar aggregate classification (germline): Uncertain significance (1 of 4 stars; one submission).

Conditions:
MEGF10-related myopathy (CMYO10A). Also called: Congenital myopathy 10A, severe variant. Identifiers: Orphanet 439212, MedGen C3280679, MONDO:0013731, OMIM 614399.

Allele frequency attached by ClinVar (database versions not stated): gnomAD exomes 0.00001 and 0.00004; ExAC 0.00004; ESP Exome Variant Server 0.00008; TOPMed 0.00010; gnomAD 0.00012 and 0.00013; 1000 Genomes Project 30x 0.00031; 1000 Genomes Project 0.00040.
gnomAD v4.1: 40 of 1,614,074 alleles (0.0025%); highest among the groups gnomAD compares: African/African-American, 0.04%; no homozygotes.

Submission:

Labcorp Genetics (formerly Invitae), Labcorp
Classification: Uncertain significance for MEGF10-related myopathy. Last evaluated: 2022-09-06. Review status: criteria provided, single submitter. Criteria: Invitae Variant Classification Sherloc (09022015). Collection method: clinical testing. Allele origin: germline.
Comment: This sequence change replaces asparagine, which is neutral and polar, with serine, which is neutral and polar, at codon 199 of the MEGF10 protein (p.Asn199Ser). This variant is present in population databases (rs373163952, gnomAD 0.05%). This variant has not been reported in the literature in individuals affected with MEGF10-related conditions. ClinVar contains an entry for this variant (Variation ID: 573183). Algorithms developed to predict the effect of missense changes on protein structure and function (SIFT, PolyPhen-2, Align-GVGD) all suggest that this variant is likely to be disruptive. In summary, the available evidence is currently insufficient to determine the role of this variant in disease. Therefore, it has been classified as a Variant of Uncertain Significance.